The following is an entry in ClinVar:

NM_000135.4(FANCA):c.3513+1G>C

Gene: FANCA (FA complementation group A; minus strand). Cytogenetic location: 16q24.3.
Variant type: single nucleotide variant.
Coding change: c.3513+1G>C on transcript NM_000135.4 (MANE Select); the canonical splice donor site of the intron after coding-DNA position 3513, G replaced by C.
Molecular consequence: splice donor variant.
Genome position (GRCh38, 1-based): chr16:89,746,583, C>G on the plus strand (G>C on the coding strand, the complement: FANCA is on the minus strand). VCF-style: chr16-89746583-C-G. GRCh37 (hg19) VCF-style: chr16-89812991-C-G.
Other names: c.3513+1G>C (NM_001286167.3, NM_000135.3).
Identifiers: ClinVar variation 2980473 (VCV002980473.4), dbSNP rs1188082371, ClinGen allele CA397485815.

ClinVar aggregate classification (germline): Likely pathogenic. Review status: criteria provided, multiple submitters, no conflicts (2 of 4 stars). 2 submissions from 2 submitters: Likely pathogenic (2). Last evaluated 2024-11-18.

Conditions:
Fanconi anemia (FA). Also called: Fanconi's anemia. Identifiers: Orphanet 84, MedGen C0015625, MeSH D005199, MONDO:0019391.

Submissions (2):

Natera, Inc.
Classification: Likely pathogenic for Fanconi anemia. Last evaluated: 2024-11-18. Review status: criteria provided, single submitter. Criteria: Natera Variant Classification Schema (03/2026). Collection method: clinical testing. Allele origin: germline.
Comment: The c.3513+1G>C variant in FANCA is a canonical splice donor site variant predicted to affect pre-mRNA splicing, which may result in an abnormal transcript and altered protein product. This variant is expected to result in nonsense mediated decay, truncation, or a dysfunctional protein product. This variant is rare in the general population with a frequency below the threshold expected for the associated phenotype(s). Given the available evidence, this variant is classified as Likely Pathogenic.

Labcorp Genetics (formerly Invitae), Labcorp
Classification: Likely pathogenic for Fanconi anemia. Last evaluated: 2023-11-05. Review status: criteria provided, single submitter. Criteria: Invitae Variant Classification Sherloc (09022015). Collection method: clinical testing. Allele origin: germline.
Comment: This sequence change affects a donor splice site in intron 35 of the FANCA gene. It is expected to disrupt RNA splicing. Variants that disrupt the donor or acceptor splice site typically lead to a loss of protein function (PMID: 16199547), and loss-of-function variants in FANCA are known to be pathogenic (PMID: 19367192). This variant is not present in population databases (gnomAD no frequency). This variant has not been reported in the literature in individuals affected with FANCA-related conditions. Algorithms developed to predict the effect of sequence changes on RNA splicing suggest that this variant may disrupt the consensus splice site. In summary, the currently available evidence indicates that the variant is pathogenic, but additional data are needed to prove that conclusively. Therefore, this variant has been classified as Likely Pathogenic.

Literature cited by the submitters: PubMed 16199547 (cited by Labcorp Genetics (formerly Invitae), Labcorp); PubMed 19367192 (cited by Labcorp Genetics (formerly Invitae), Labcorp).